The following is an entry in ClinVar:

NM_001371986.1(UNC80):c.7081G>T (p.Val2361Leu)

Gene: UNC80 (unc-80 subunit of NALCN channel complex; plus strand). Cytogenetic location: 2q34.
Variant type: single nucleotide variant.
Coding change: c.7081G>T on transcript NM_001371986.1 (MANE Select); coding-DNA position 7081, G replaced by T.
Protein change: p.Val2361Leu; replaces valine 2361 with leucine.
Molecular consequence: missense variant.
Genome position (GRCh38, 1-based): chr2:209,945,081, G>T. VCF-style: chr2-209945081-G-T. GRCh37 (hg19) VCF-style: chr2-210809805-G-T.
Other names: c.6883G>T, p.Val2295Leu (NM_032504.2); c.6868G>T, p.Val2290Leu (NM_182587.4); short protein forms V2290L, V2295L, V2361L.
Identifiers: ClinVar variation 4975949 (VCV004975949.1).

ClinVar aggregate classification (germline): Uncertain significance (1 of 4 stars; one submission).

gnomAD v4.1: 1 of 1,551,618 alleles (0.000064%); highest among the groups gnomAD compares: Admixed American, 0.002%; no homozygotes.

Submission:

GeneDx
Classification: Uncertain significance. Last evaluated: 2026-01-30. Review status: criteria provided, single submitter. Criteria: GeneDx Variant Classification Process June 2021. Collection method: clinical testing. Allele origin: germline.
Comment: Not observed at significant frequency in large population cohorts (gnomAD); In silico analysis supports that this missense variant has a deleterious effect on protein structure/function; Has not been previously published as pathogenic or benign to our knowledge